The following is an entry in ClinVar:

ClinVar aggregate classification (germline): Uncertain significance (1 of 4 stars; one submission).

Conditions:
Hereditary cancer-predisposing syndrome. Also called: Hereditary neoplastic syndrome; Hereditary Cancer Syndrome; Neoplastic Syndromes, Hereditary; Tumor predisposition. Identifiers: Orphanet 140162, MedGen C0027672, MeSH D009386, MONDO:0015356.

gnomAD v4.1: 3 of 1,614,094 alleles (0.00019%); highest among the groups gnomAD compares: Non-Finnish European, 0.00025%; no homozygotes.

Submission:

Color Diagnostics, LLC DBA Color Health
Classification: Uncertain significance for Hereditary cancer-predisposing syndrome. Last evaluated: 2024-03-06. Review status: criteria provided, single submitter. Criteria: ACMG Guidelines, 2015. Collection method: clinical testing. Allele origin: germline.
Comment: This missense variant replaces proline with leucine at codon 170 of the MSH6 protein. Computational prediction suggests that this variant may not impact protein structure and function (internally defined REVEL score threshold <= 0.5, PMID: 27666373). To our knowledge, functional studies have not been reported for this variant. This variant has not been reported in individuals affected with hereditary cancer in the literature. This variant has not been identified in the general population by the Genome Aggregation Database (gnomAD). The available evidence is insufficient to determine the role of this variant in disease conclusively. Therefore, this variant is classified as a Variant of Uncertain Significance.

NM_000179.3(MSH6):c.509C>T (p.Pro170Leu)

Gene: MSH6 (mutS homolog 6; plus strand). Cytogenetic location: 2p16.3.
Variant type: single nucleotide variant.
Coding change: c.509C>T on transcript NM_000179.3 (MANE Select); coding-DNA position 509, C replaced by T.
Protein change: p.Pro170Leu; replaces proline 170 with leucine.
Molecular consequence: missense variant. On other transcripts: 5 prime UTR variant (5), non-coding transcript variant (5), intron variant (8).
Genome position (GRCh38, 1-based): chr2:47,795,945, C>T. VCF-style: chr2-47795945-C-T. GRCh37 (hg19) VCF-style: chr2-48023084-C-T.
Other names: c.-394C>T (NM_001281494.2); c.605C>T, p.Pro202Leu (NM_001406795.1, NM_001406802.1); c.509C>T, p.Pro170Leu (NM_001406796.1, NM_001406803.1, NM_001406800.1 and 5 more transcripts); c.212C>T, p.Pro71Leu (NM_001406801.1, NM_001406797.1, NM_001406805.1 and 10 more transcripts); c.-17C>T (NM_001406799.1, NM_001406806.1, NM_001406807.1); c.431C>T, p.Pro144Leu (NM_001406804.1); c.515C>T, p.Pro172Leu (NM_001406813.1); c.-486C>T (NM_001406814.1); and 3 more; short protein forms P172L, P170L, P114L, P144L, P202L, P71L.
Identifiers: ClinVar variation 2773627 (VCV002773627.2), dbSNP rs985845102, ClinGen allele CA346738663.